The following is an entry in ClinVar:

NM_001018005.2(TPM1):c.451_453delinsACA (p.Ala151Thr)

Gene: TPM1 (tropomyosin 1; plus strand). Cytogenetic location: 15q22.2.
Variant type: Indel.
Coding change: c.451_453delinsACA on transcript NM_001018005.2 (MANE Select); coding-DNA positions 451 to 453, GCC replaced by ACA.
Protein change: p.Ala151Thr; replaces alanine 151 with threonine.
Molecular consequence: missense variant. On other transcripts: non-coding transcript variant (17).
Genome position (GRCh38, 1-based): chr15:63,059,639-63,059,641, GCC replaced by ACA. VCF-style: chr15-63059639-GCC-ACA. GRCh37 (hg19) VCF-style: chr15-63351838-GCC-ACA.
Other names: c.343_345delinsACA, p.Ala115Thr (NM_001365780.1, NM_001365781.2, NM_001365782.1 and 9 more transcripts); c.577_579delinsACA, p.Ala193Thr (NM_001407322.1, NM_001407323.1, NM_001407324.1 and 1 more transcripts); c.451_453delinsACA, p.Ala151Thr (NM_001407325.1, NM_001407326.1, NM_001407327.1 and 20 more transcripts); short protein forms A151T, A115T, A193T.
Identifiers: ClinVar variation 3809810 (VCV003809810.1).

ClinVar aggregate classification (germline): Uncertain significance (1 of 4 stars; one submission).

Conditions:
Cardiovascular phenotype. Identifiers: MedGen CN230736.

Submission:

Ambry Genetics
Classification: Uncertain significance for Cardiovascular phenotype. Last evaluated: 2025-01-08. Review status: criteria provided, single submitter. Criteria: Ambry Variant Classification Scheme 2023. Collection method: clinical testing. Allele origin: germline.
Comment: The c.451_453delGCCinsACA variant, located in coding exon 4 of the TPM1 gene, results from an in-frame deletion of GCC and insertion of ACA at nucleotide positions 451 to 453. This results in the substitution of the alanine residue for a threonine residue at codon 151, an amino acid with similar properties. This variant was reported in individual(s) in a sudden unexplained death cohort and a left ventricular noncompaction cohort, but clinical details were limited (Sanchez O et al. PLoS One, 2016 Dec;11:e0167358; Hirono K et al. J Am Heart Assoc, 2024 Nov;13:e035614). This amino acid position is highly conserved in available vertebrate species. In addition, this alteration is predicted to be deleterious by in silico analysis. Based on the available evidence, the clinical significance of this variant remains unclear.

Literature cited by the submitters: PubMed 27930701; PubMed 39494597.